The following is an entry in ClinVar:

ClinVar aggregate classification (germline): Likely pathogenic. Review status: reviewed by expert panel (3 of 4 stars). 4 submissions from 4 submitters: Likely pathogenic (1). 3 of the submissions do not count toward it. Last evaluated 2026-07-10.

Conditions:
Glycogen storage disease, type II (IOPD). Also called: CARDIOMEGALIA GLYCOGENICA DIFFUSA; GLYCOGENOSIS, GENERALIZED, CARDIAC FORM; GSD II; Glycogen storage disease type 2; Acid maltase deficiency disease; Aglucosidase alfa. Identifiers: Orphanet 365, MedGen C0017921, MONDO:0009290, OMIM 232300.

Allele frequency attached by ClinVar (database versions not stated): gnomAD exomes below 0.00001.

Submissions (4):

ClinGen Lysosomal Storage Disorder Variant Curation Expert Panel
Classification: Likely pathogenic for Glycogen storage disease, type II. Last evaluated: 2026-07-10. Review status: reviewed by expert panel. Criteria: clingen_lsd_acmg_specifications_v2-1. Collection method: curation. Allele origin: germline. Inheritance: Autosomal recessive inheritance.
Comment: The NM_000152.5:c.1054C>T (p.Gln352Ter) variant in GAA is a nonsense variant predicted to cause a premature stop codon in biologically-relevant-exon 6/20, leading to nonsense mediated decay in a gene in which loss-of-function is an established disease mechanism (PVS1). At least one individual with this variant identified by newborn screening had documented GAA activity in the affected range in dried blood spot and was compound heterozygous for the variant and c.[752C>T;761C>T] (p.[Ser251Leu;Ser254Leu]), which has not yet been evaluated by the ClinGen Lysosomal Diseases VCEP, phase unconfirmed (PMID: 24513544). However, in the absence of clinical symptoms to support that the variant causes Pompe disease, PP4 and PM3 will not be applied. The highest population minor allele frequency in gnomAD v4.1.0. is 8.474e-7 (1/1180028 alleles) in the European (non-Finnish) population, which is lower than the ClinGen Lysosomal Diseases VCEP’s threshold for PM2_Supporting (<0.001), meeting this criterion (PM2_Supporting). In summary, this variant meets the criteria to be classified as Likely Pathogenic for Pompe disease. The classification of this variant has been upgraded from Variant of Uncertain Significance to Likely Pathogenic based on the recommendations of the ClinGen Sequence Variant Interpretation Working Group, that a variant meeting PVS1 and PM2_Supporting is classified as Likely Pathogenic. GAA-specific ACMG/AMP criteria applied, as specified by the ClinGen Lysosomal Diseases Variant Curation Expert Panel (Specifications Version 2.0): PVS1, PM2_Supporting. (Classification approved by the ClinGen Lysosomal Diseases Variant Curation Expert Panel on July 10, 2026)

Genomenon, Inc
Classification: Likely pathogenic for Glycogen storage disease, type II. Last evaluated: 2026-07-01. Review status: criteria provided, single submitter. Criteria: Genomenon Sequence Variant Interpretation Standards - Updated. Collection method: curation. Allele origin: germline. Affected: no. Not counted in ClinVar's aggregate classification.
Comment: GAA p.Gln352Ter (c.1054C>T) is a nonsense variant that introduces a premature stop codon at amino acid position 352 and is predicted to result in a truncated or absent protein product. This variant has been reported in the published literature (PMID:24513544;33560568;33073027). It is absent or not present at a significant frequency in gnomAD. In conclusion, we classify GAA p.Gln352Ter (c.1054C>T) as a likely pathogenic variant.

Natera, Inc.
Classification: Likely pathogenic for Glycogen storage disease type II. Last evaluated: 2024-07-23. Review status: criteria provided, single submitter. Criteria: Natera Variant Classification Schema (03/2026). Collection method: clinical testing. Allele origin: germline. Not counted in ClinVar's aggregate classification.
Comment: The c.1054C>T variant in GAA is a nonsense variant predicted to introduce a stop codon at amino acid 352. This variant is expected to result in nonsense mediated decay, truncation, or a dysfunctional protein product. This variant is rare in the general population with a frequency below the threshold expected for the associated phenotype(s). Given the available evidence, this variant is classified as Likely Pathogenic.

Labcorp Genetics (formerly Invitae), Labcorp
Classification: Pathogenic for Glycogen storage disease, type II. Last evaluated: 2022-08-23. Review status: criteria provided, single submitter. Criteria: Invitae Variant Classification Sherloc (09022015). Collection method: clinical testing. Allele origin: germline. Not counted in ClinVar's aggregate classification.
Comment: For these reasons, this variant has been classified as Pathogenic. Algorithms developed to predict the effect of sequence changes on RNA splicing suggest that this variant may disrupt the consensus splice site. This premature translational stop signal has been observed in individual(s) with a positive newborn screening result for GAA-related disease (PMID: 24513544). This variant is not present in population databases (gnomAD no frequency). This sequence change creates a premature translational stop signal (p.Gln352*) in the GAA gene. It is expected to result in an absent or disrupted protein product. Loss-of-function variants in GAA are known to be pathogenic (PMID: 18425781, 22252923).

Literature cited by the submitters: PubMed 24513544 (cited by Genomenon, Inc and Labcorp Genetics (formerly Invitae), Labcorp); PubMed 33560568 (cited by Genomenon, Inc); PubMed 33073027 (cited by Genomenon, Inc); PubMed 18425781 (cited by Labcorp Genetics (formerly Invitae), Labcorp); PubMed 22252923 (cited by Labcorp Genetics (formerly Invitae), Labcorp).

NM_000152.5(GAA):c.1054C>T (p.Gln352Ter)

Gene: GAA (alpha glucosidase; plus strand). Cytogenetic location: 17q25.3.
Variant type: single nucleotide variant.
Coding change: c.1054C>T on transcript NM_000152.5 (MANE Select); coding-DNA position 1054, C replaced by T.
Protein change: p.Gln352Ter; replaces glutamine 352 with a stop codon.
Molecular consequence: nonsense.
Genome position (GRCh38, 1-based): chr17:80,108,388, C>T. VCF-style: chr17-80108388-C-T. GRCh37 (hg19) VCF-style: chr17-78082187-C-T.
Other names: NM_000152.5(GAA):c.1054C>T; p.Gln352Ter; c.1054C>T, p.Gln352Ter (NM_001079803.3, NM_001079804.3, NM_001406741.1 and 1 more transcripts); c.1054C>T (NM_000152.4); short protein forms Q352*.
Identifiers: ClinVar variation 2138114 (VCV002138114.7), dbSNP rs764355476, ClinGen allele CA294891876.